The following is an entry in ClinVar:

ClinVar aggregate classification (germline): Likely benign. Review status: criteria provided, multiple submitters, no conflicts (2 of 4 stars). 2 submissions from 2 submitters: Likely benign (2). Last evaluated 2026-06-01.

Allele frequency attached by ClinVar (database versions not stated): gnomAD exomes below 0.00001; TOPMed below 0.00001; gnomAD 0.00001.
gnomAD v4.1: 5 of 1,612,964 alleles (0.00031%); highest among the groups gnomAD compares: Non-Finnish European, 0.00034%; no homozygotes.

Submissions (2):

CeGaT Center for Human Genetics Tuebingen
Classification: Likely benign. Last evaluated: 2026-06-01. Review status: criteria provided, single submitter. Criteria: CeGaT Center For Human Genetics Tuebingen Variant Classification Criteria Version 2. Collection method: clinical testing. Allele origin: germline. Affected: yes. Observed: 1 variant allele.
Comment: TYMP: BP4, BP7

Labcorp Genetics (formerly Invitae), Labcorp
Classification: Likely benign. Last evaluated: 2023-08-11. Review status: criteria provided, single submitter. Criteria: Invitae Variant Classification Sherloc (09022015). Collection method: clinical testing. Allele origin: germline.

NM_001953.5(TYMP):c.102G>A (p.Lys34=)

Gene: TYMP (thymidine phosphorylase; minus strand). Cytogenetic location: 22q13.33.
Variant type: single nucleotide variant.
Coding change: c.102G>A on transcript NM_001953.5 (MANE Select); coding-DNA position 102, G replaced by A.
Protein change: p.Lys34=; no amino-acid change (lysine 34 retained).
Molecular consequence: synonymous variant.
Genome position (GRCh38, 1-based): chr22:50,529,608, C>T on the plus strand (G>A on the coding strand, the complement: TYMP is on the minus strand). VCF-style: chr22-50529608-C-T. GRCh37 (hg19) VCF-style: chr22-50968037-C-T.
Other names: c.102G>A, p.Lys34= (NM_001113755.3, NM_001113756.3, NM_001257988.1 and 1 more transcripts).
Identifiers: ClinVar variation 2750349 (VCV002750349.5), dbSNP rs1313541184, ClinGen allele CA515387640.